The following is an entry in ClinVar:

ClinVar aggregate classification (germline): Likely benign. Review status: criteria provided, multiple submitters, no conflicts (2 of 4 stars). 3 submissions from 3 submitters: Likely benign (3). Last evaluated 2025-07-31.

Conditions:
Multiple endocrine neoplasia, type 2 (MEN2). Identifiers: Orphanet 653, MedGen C4048306, MONDO:0019003. Disease mechanism: gain of function.
Multiple endocrine neoplasia type 2A. Also called: Multiple Endocrine Neoplasia Type 2A (MEN2A); MULTIPLE ENDOCRINE NEOPLASIA, TYPE IIA; PTC SYNDROME; SIPPLE SYNDROME; MEN 2A; MEN-2A syndrome. Identifiers: Orphanet 247698, Orphanet 653, MedGen C0025268, MeSH D018813, MONDO:0008234, OMIM 171400.

Submissions (3):

Labcorp Genetics (formerly Invitae), Labcorp
Classification: Likely benign for Multiple endocrine neoplasia, type 2. Last evaluated: 2025-07-31. Review status: criteria provided, single submitter. Criteria: Invitae Variant Classification Sherloc (09022015). Collection method: clinical testing. Allele origin: germline.

Myriad Genetics, Inc.
Classification: Likely benign for Multiple endocrine neoplasia type 2A. Last evaluated: 2025-02-27. Review status: criteria provided, single submitter. Criteria: Myriad Autosomal Dominant, Autosomal Recessive and X-Linked Classification Criteria (2023). Collection method: clinical testing. Allele origin: unknown.
Comment: This variant is considered likely benign. This variant is intronic and is not expected to impact mRNA splicing.

All of Us Research Program, National Institutes of Health
Classification: Likely benign for Multiple endocrine neoplasia, type 2. Last evaluated: 2022-12-22. Review status: criteria provided, single submitter. Criteria: ACMG Guidelines, 2015. Collection method: clinical testing. Allele origin: germline. Inheritance: Autosomal dominant inheritance. Observed: 1 variant allele, 1 heterozygote.
Comment: This study involves interpretation of variants in research participants for the purpose of population health screening. Participant phenotype was not available at the time of variant classification. Additional details can be found in publication PMID: 35346344, PMCID: PMC8962531

NM_020975.6(RET):c.2801+8_2801+9del

Genes: RET (ret proto-oncogene; plus strand), LOC130003710 (ATAC-STARR-seq lymphoblastoid active region 3286; plus strand). Cytogenetic location: 10q11.21.
Variant type: Microsatellite.
Coding change: c.2801+8_2801+9del on transcript NM_020975.6 (MANE Select); bases 8 to 9 of the intron after coding-DNA position 2801, 2 bases deleted (TG; older notation c.2801+8_2801+9delTG).
Molecular consequence: intron variant.
Genome position (GRCh38, 1-based): chr10:43,122,024-43,122,025, TG deleted; deleting any 2 consecutive bases within chr10:43,122,021-43,122,025 gives the same sequence; the c. name uses the placement nearest the transcript's 3' end. VCF-style (leftmost placement, unchanged base first): chr10-43122020-AGT-A. GRCh37 (hg19) VCF-style: chr10-43617468-AGT-A.
Other names: c.2801+8_2801+9del (NM_020975.4, NM_020630.7, NM_001406743.1 and 3 more transcripts); c.2666+8_2666+9del (NM_001406765.1, NM_001406763.1); c.2405+8_2405+9del (NM_001406772.1, NM_001406769.1); c.2363+8_2363+9del (NM_001406773.1, NM_001406771.1); c.1904+8_1904+9del (NM_001406782.1, NM_001406780.1, NM_001406779.1 and 1 more transcripts); c.1769+8_1769+9del (NM_001406787.1); c.1784+8_1784+9del (NM_001406785.1); c.2672+8_2672+9del (NM_001406764.1, NM_001406762.1, NM_001406761.1); and 10 more.
Identifiers: ClinVar variation 798629 (VCV000798629.15), dbSNP rs1445588303, ClinGen allele CA592896736.